The following is an entry in ClinVar:

ClinVar aggregate classification (germline): Uncertain significance (1 of 4 stars; one submission).

Conditions:
Hereditary cancer-predisposing syndrome. Also called: Hereditary Cancer Syndrome; Hereditary neoplastic syndrome; Tumor predisposition; Neoplastic Syndromes, Hereditary. Identifiers: Orphanet 140162, MedGen C0027672, MeSH D009386, MONDO:0015356.

Allele frequency attached by ClinVar (database versions not stated): ExAC 0.00001.

Submission:

Ambry Genetics
Classification: Uncertain significance for Hereditary cancer-predisposing syndrome. Last evaluated: 2025-01-25. Review status: criteria provided, single submitter. Criteria: Ambry Variant Classification Scheme 2023. Collection method: clinical testing. Allele origin: germline.
Comment: The p.S762G variant (also known as c.2284A>G), located in coding exon 9 of the AXIN2 gene, results from an A to G substitution at nucleotide position 2284. The serine at codon 762 is replaced by glycine, an amino acid with similar properties. This amino acid position is well conserved in available vertebrate species. In addition, this alteration is predicted to be tolerated by in silico analysis. Since supporting evidence is limited at this time, the clinical significance of this alteration remains unclear.

NM_004655.4(AXIN2):c.2284A>G (p.Ser762Gly)

Gene: AXIN2 (axin 2; minus strand). Cytogenetic location: 17q24.1.
Variant type: single nucleotide variant.
Coding change: c.2284A>G on transcript NM_004655.4 (MANE Select); coding-DNA position 2284, A replaced by G.
Protein change: p.Ser762Gly; replaces serine 762 with glycine.
Molecular consequence: missense variant.
Genome position (GRCh38, 1-based): chr17:65,534,033, T>C on the plus strand (A>G on the coding strand, the complement: AXIN2 is on the minus strand). VCF-style: chr17-65534033-T-C. GRCh37 (hg19) VCF-style: chr17-63530151-T-C.
Other names: c.2089A>G, p.Ser697Gly (NM_001363813.1); short protein forms S697G, S762G.
Identifiers: ClinVar variation 1788987 (VCV001788987.3), dbSNP rs755320218, ClinGen allele CA8718328.